The following is an entry in ClinVar:

ClinVar aggregate classification (germline): Likely benign (1 of 4 stars; one submission).

Conditions:
ALDH4A1-related disorder. Also called: ALDH4A1-related condition.

gnomAD v4.1: 1 of 1,598,054 alleles (0.000063%); highest among the groups gnomAD compares: Non-Finnish European, 0.000085%; no homozygotes.

Submission:

PreventionGenetics, part of Exact Sciences
Classification: Likely benign for ALDH4A1-related condition. Last evaluated: 2026-04-24. Review status: criteria provided, single submitter. Criteria: ACMG Guidelines, 2015. Collection method: clinical testing. Allele origin: germline.
Comment: This variant is classified as likely benign based on ACMG/AMP sequence variant interpretation guidelines (Richards et al. 2015 PMID: 25741868, with internal and published modifications).

NM_003748.4(ALDH4A1):c.1077G>T (p.Ser359=)

Gene: ALDH4A1 (aldehyde dehydrogenase 4 family member A1; minus strand). Cytogenetic location: 1p36.13.
Variant type: single nucleotide variant.
Coding change: c.1077G>T on transcript NM_003748.4 (MANE Select); coding-DNA position 1077, G replaced by T.
Protein change: p.Ser359=; no amino-acid change (serine 359 retained).
Molecular consequence: synonymous variant.
Genome position (GRCh38, 1-based): chr1:18,877,476, C>A on the plus strand (G>T on the coding strand, the complement: ALDH4A1 is on the minus strand). VCF-style: chr1-18877476-C-A. GRCh37 (hg19) VCF-style: chr1-19203970-C-A.
Other names: c.897G>T, p.Ser299= (NM_001161504.2); c.1077G>T, p.Ser359= (NM_001319218.2, NM_170726.3).
Identifiers: ClinVar variation 4987928 (VCV004987928.1).